The following is an entry in ClinVar:

NM_001330078.2(NRXN1):c.1850G>A (p.Gly617Glu)

Gene: NRXN1 (neurexin 1; minus strand). Cytogenetic location: 2p16.3.
Variant type: single nucleotide variant.
Coding change: c.1850G>A on transcript NM_001330078.2 (MANE Select); coding-DNA position 1850, G replaced by A.
Protein change: p.Gly617Glu; replaces glycine 617 with glutamic acid.
Molecular consequence: missense variant.
Genome position (GRCh38, 1-based): chr2:50,538,546, C>T on the plus strand (G>A on the coding strand, the complement: NRXN1 is on the minus strand). VCF-style: chr2-50538546-C-T. GRCh37 (hg19) VCF-style: chr2-50765684-C-T.
Other names: c.1970G>A, p.Gly657Glu (NM_001135659.3); c.1826G>A, p.Gly609Glu (NM_001330077.2, NM_001330082.2, NM_001330095.2); c.1811G>A, p.Gly604Glu (NM_001330083.2, NM_001330084.2); c.1850G>A, p.Gly617Glu (NM_001330085.2, NM_001330086.2, NM_004801.6); c.1766G>A, p.Gly589Glu (NM_001330087.2, NM_001330096.2); c.1796G>A, p.Gly599Glu (NM_001330088.2); c.1847G>A, p.Gly616Glu (NM_001330093.2); c.1838G>A, p.Gly613Glu (NM_001330094.2); and 1 more; short protein forms G604E, G616E, G599E, G609E, G613E, G617E, G589E, G657E.
Identifiers: ClinVar variation 864812 (VCV000864812.12), dbSNP rs780931684, ClinGen allele CA346771283.
Genomic context (GRCh38, chr2:50,538,546, plus strand): 5'-TTGAGCAGAGCAGTCCACACCTCGGTGGGGAAGACAAGGCCAGCTTTATTTTCTGGCAGC[C>T]CCCCCAGGTACAACTCATCATCCAGGTCCAGAATCTCACTCTCACCAGGAGCAGTGTAGG-3'
Protein context (NP_001317007.1, residues 607-627): LDLDDELYLG[Gly617Glu]LPENKAGLVF

ClinVar aggregate classification (germline): Uncertain significance. Review status: criteria provided, multiple submitters, no conflicts (2 of 4 stars). 2 submissions from 2 submitters: Uncertain significance (2). Last evaluated 2019-08-27.

Conditions:
Pitt-Hopkins-like syndrome 2 (PTHSL2). Identifiers: Orphanet 221150, Orphanet 600663, MedGen C3280479, MONDO:0013690, OMIM 614325.

Allele frequency attached by ClinVar (database versions not stated): TOPMed 0.00001.
gnomAD v4.1: 1 of 1,584,620 alleles (0.000063%); highest among the groups gnomAD compares: Non-Finnish European, 0.000086%; no homozygotes.

Submissions (2):

Revvity Omics, Revvity
Classification: Uncertain significance for Pitt-Hopkins-like syndrome 2. Last evaluated: 2019-08-27. Review status: criteria provided, single submitter. Criteria: ACMG Guidelines, 2015. Collection method: clinical testing. Allele origin: germline.

Labcorp Genetics (formerly Invitae), Labcorp
Classification: Uncertain significance for Pitt-Hopkins-like syndrome 2. Last evaluated: 2019-04-26. Review status: criteria provided, single submitter. Criteria: Invitae Variant Classification Sherloc (09022015). Collection method: clinical testing. Allele origin: germline.
Comment: This sequence change replaces glycine with glutamic acid at codon 657 of the NRXN1 protein (p.Gly657Glu). The glycine residue is highly conserved and there is a moderate physicochemical difference between glycine and glutamic acid. This variant is not present in population databases (ExAC no frequency). This variant has not been reported in the literature in individuals with NRXN1-related conditions. Algorithms developed to predict the effect of missense changes on protein structure and function are either unavailable or do not agree on the potential impact of this missense change (SIFT: "Deleterious"; PolyPhen-2: "Probably Damaging"; Align-GVGD: "Class C0"). In summary, the available evidence is currently insufficient to determine the role of this variant in disease. Therefore, it has been classified as a Variant of Uncertain Significance.